The following is an entry in ClinVar:

ClinVar aggregate classification (germline): Uncertain significance. Review status: criteria provided, multiple submitters, no conflicts (2 of 4 stars). 2 submissions from 2 submitters: Uncertain significance (2). Last evaluated 2024-04-17.

Conditions:
Catecholaminergic polymorphic ventricular tachycardia 1. Also called: VENTRICULAR TACHYCARDIA, STRESS-INDUCED POLYMORPHIC 1; RYR2-Related Catecholaminergic Polymorphic Ventricular Tachycardia; VENTRICULAR TACHYCARDIA, CATECHOLAMINERGIC POLYMORPHIC, 1, WITH OR WITHOUT ATRIAL DYSFUNCTION AND/OR DILATED CARDIOMYOPATHY. Identifiers: Orphanet 3286, MedGen C1631597, MONDO:0011484, OMIM 604772.
Catecholaminergic polymorphic ventricular tachycardia (CVPT). Also called: Catecholamine-induced polymorphic ventricular tachycardia. Identifiers: Orphanet 3286, MedGen C5574922, MONDO:0017990.

Allele frequency attached by ClinVar (database versions not stated): gnomAD exomes below 0.00001.
gnomAD v4.1: 2 of 1,580,344 alleles (0.00013%); highest among the groups gnomAD compares: East Asian, 0.0046%; no homozygotes.

Submissions (2):

Labcorp Genetics (formerly Invitae), Labcorp
Classification: Uncertain significance for Catecholaminergic polymorphic ventricular tachycardia 1. Last evaluated: 2024-04-17. Review status: criteria provided, single submitter. Criteria: Invitae Variant Classification Sherloc (09022015). Collection method: clinical testing. Allele origin: germline.
Comment: This sequence change replaces alanine, which is neutral and non-polar, with glutamic acid, which is acidic and polar, at codon 2841 of the RYR2 protein (p.Ala2841Glu). This variant is not present in population databases (gnomAD no frequency). This variant has not been reported in the literature in individuals affected with RYR2-related conditions. Advanced modeling of protein sequence and biophysical properties (such as structural, functional, and spatial information, amino acid conservation, physicochemical variation, residue mobility, and thermodynamic stability) performed at Invitae indicates that this missense variant is expected to disrupt RYR2 protein function with a positive predictive value of 95%. In summary, the available evidence is currently insufficient to determine the role of this variant in disease. Therefore, it has been classified as a Variant of Uncertain Significance.

All of Us Research Program, National Institutes of Health
Classification: Uncertain significance for Catecholaminergic polymorphic ventricular tachycardia. Last evaluated: 2023-06-28. Review status: criteria provided, single submitter. Criteria: ACMG Guidelines, 2015. Collection method: clinical testing. Allele origin: germline. Inheritance: Autosomal dominant inheritance. Observed: 1 variant allele, 1 heterozygote.
Comment: This study involves interpretation of variants in research participants for the purpose of population health screening. Participant phenotype was not available at the time of variant classification. Additional details can be found in publication PMID: 35346344, PMCID: PMC8962531

NM_001035.3(RYR2):c.8522C>A (p.Ala2841Glu)

Gene: RYR2 (ryanodine receptor 2; plus strand). Cytogenetic location: 1q43.
Variant type: single nucleotide variant.
Coding change: c.8522C>A on transcript NM_001035.3 (MANE Select); coding-DNA position 8522, C replaced by A.
Protein change: p.Ala2841Glu; replaces alanine 2841 with glutamic acid.
Molecular consequence: missense variant.
Genome position (GRCh38, 1-based): chr1:237,667,890, C>A. VCF-style: chr1-237667890-C-A. GRCh37 (hg19) VCF-style: chr1-237831190-C-A.
Other names: short protein forms A2841E.
Identifiers: ClinVar variation 3017310 (VCV003017310.4), dbSNP rs1573427862, ClinGen allele CA345402365.